The following is an entry in ClinVar:

ClinVar aggregate classification (germline): Benign. Review status: criteria provided, multiple submitters, no conflicts (2 of 4 stars). 2 submissions from 2 submitters: Benign (2). Last evaluated 2019-04-19.

Allele frequency attached by ClinVar (database versions not stated): ESP Exome Variant Server 0.09503; gnomAD 0.10446 and 0.10969; 1000 Genomes Project 30x 0.16537; 1000 Genomes Project 0.16833.
gnomAD v4.1: 178,694 of 1,612,078 alleles (11%); highest among the groups gnomAD compares: East Asian, 27%; 11,045 homozygotes.

Submissions (2):

GeneDx
Classification: Benign. Last evaluated: 2019-04-19. Review status: criteria provided, single submitter. Criteria: GeneDx Variant Classification Process June 2021. Collection method: clinical testing. Allele origin: germline. Affected: yes.
Comment: This variant is associated with the following publications: (PMID: 30679340)

Breakthrough Genomics
Classification: Benign. Review status: criteria provided, single submitter. Criteria: ACMG Guidelines, 2015. Collection method: not provided. Allele origin: germline. Inheritance: Autosomal recessive inheritance. Affected: yes.

NM_001143764.3(SYCE1):c.136+4G>A

Gene: SYCE1 (synaptonemal complex central element protein 1; minus strand). Cytogenetic location: 10q26.3.
Variant type: single nucleotide variant.
Coding change: c.136+4G>A on transcript NM_001143764.3 (MANE Select); 4 bases into the intron after coding-DNA position 136, G replaced by A.
Molecular consequence: intron variant.
Genome position (GRCh38, 1-based): chr10:133,560,087, C>T on the plus strand (G>A on the coding strand, the complement: SYCE1 is on the minus strand). VCF-style: chr10-133560087-C-T. GRCh37 (hg19) VCF-style: chr10-135373591-C-T.
Other names: c.28+4G>A (NM_130784.4); c.136+4G>A (NM_001143763.2).
Identifiers: ClinVar variation 1282060 (VCV001282060.2), dbSNP rs3813873, ClinGen allele CA5768374.